The following is an entry in ClinVar:

NM_000062.3(SERPING1):c.773A>T (p.Asn258Ile)

Gene: SERPING1 (serpin family G member 1; plus strand). Cytogenetic location: 11q12.1.
Variant type: single nucleotide variant.
Coding change: c.773A>T on transcript NM_000062.3 (MANE Select); coding-DNA position 773, A replaced by T.
Protein change: p.Asn258Ile; replaces asparagine 258 with isoleucine.
Molecular consequence: missense variant.
Genome position (GRCh38, 1-based): chr11:57,606,097, A>T. VCF-style: chr11-57606097-A-T. GRCh37 (hg19) VCF-style: chr11-57373570-A-T.
Other names: c.773A>T, p.Asn258Ile (NM_001032295.2); short protein forms N258I.
Identifiers: ClinVar variation 2137096 (VCV002137096.4), dbSNP rs1240290746, ClinGen allele CA380699114.

ClinVar aggregate classification (germline): Uncertain significance (1 of 4 stars; one submission).

gnomAD v4.1: 1 of 1,614,152 alleles (0.000062%); highest among the groups gnomAD compares: Non-Finnish European, 0.000085%; no homozygotes.

Submission:

Labcorp Genetics (formerly Invitae), Labcorp
Classification: Uncertain significance. Last evaluated: 2022-09-16. Review status: criteria provided, single submitter. Criteria: Invitae Variant Classification Sherloc (09022015). Collection method: clinical testing. Allele origin: germline.
Comment: This sequence change replaces asparagine, which is neutral and polar, with isoleucine, which is neutral and non-polar, at codon 258 of the SERPING1 protein (p.Asn258Ile). This variant is not present in population databases (gnomAD no frequency). This missense change has been observed in individual(s) with hereditary angioedema (PMID: 18758157). Advanced modeling of protein sequence and biophysical properties (such as structural, functional, and spatial information, amino acid conservation, physicochemical variation, residue mobility, and thermodynamic stability) has been performed at Invitae for this missense variant, however the output from this modeling did not meet the statistical confidence thresholds required to predict the impact of this variant on SERPING1 protein function. In summary, the available evidence is currently insufficient to determine the role of this variant in disease. Therefore, it has been classified as a Variant of Uncertain Significance.

Literature cited by the submitters: PubMed 18758157.